The following is an entry in ClinVar:

NM_014822.4(SEC24D):c.8_23dup (p.Pro10fs)

Gene: SEC24D (SEC24 homolog D, COPII component; minus strand). Cytogenetic location: 4q26.
Variant type: Duplication.
Coding change: c.8_23dup on transcript NM_014822.4 (MANE Select); coding-DNA positions 8 to 23, 16 bases duplicated (AACAAGGTTACGTGGC).
Protein change: p.Pro10fs; shifts the reading frame from proline 10.
Molecular consequence: frameshift variant.
Genome position (GRCh38, 1-based): chr4:118,833,674-118,833,689, GCCACGTAACCTTGTT duplicated on the plus strand (AACAAGGTTACGTGGC on the coding strand, the reverse complement: SEC24D is on the minus strand); duplicating any 16 consecutive bases within chr4:118,833,674-118,833,690 gives the same sequence; the c. name uses the placement nearest the transcript's 3' end. VCF-style (leftmost placement, unchanged base first): chr4-118833673-A-AGCCACGTAACCTTGTT. GRCh37 (hg19) VCF-style: chr4-119754828-A-AGCCACGTAACCTTGTT.
Other names: c.8_23dup, p.Pro10fs (NM_001318066.2); short protein forms P10fs.
Identifiers: ClinVar variation 4292519 (VCV004292519.1).

ClinVar aggregate classification (germline): Likely pathogenic (1 of 4 stars; one submission).

Conditions:
Cole-Carpenter syndrome 2 (CLCRP2). Identifiers: Orphanet 2050, MedGen C4225382, MONDO:0014573, OMIM 616294.

Submission:

3billion
Classification: Likely pathogenic for Cole-Carpenter syndrome 2. Last evaluated: 2024-09-02. Review status: criteria provided, single submitter. Criteria: ACMG Guidelines, 2015. Collection method: clinical testing. Allele origin: germline. Affected: yes.
Comment: The variant is not observed in the gnomAD v4.0.0 dataset. Predicted Consequence/Location: Frameshift: predicted to result in a loss or disruption of normal protein function through nonsense-mediated decay (NMD) or protein truncation. Multiple pathogenic variants are reported downstream of the variant. Therefore, this variant is classified as Likely pathogenic according to the recommendation of ACMG/AMP guideline.